The following is an entry in ClinVar:

NM_007103.4(NDUFV1):c.748G>T (p.Val250Leu)

Gene: NDUFV1 (NADH:ubiquinone oxidoreductase core subunit V1; plus strand). Cytogenetic location: 11q13.2.
Variant type: single nucleotide variant.
Coding change: c.748G>T on transcript NM_007103.4 (MANE Select); coding-DNA position 748, G replaced by T.
Protein change: p.Val250Leu; replaces valine 250 with leucine.
Molecular consequence: missense variant.
Genome position (GRCh38, 1-based): chr11:67,611,042, G>T. VCF-style: chr11-67611042-G-T. GRCh37 (hg19) VCF-style: chr11-67378513-G-T.
Other names: c.721G>T, p.Val241Leu (NM_001166102.2); short protein forms V241L, V250L.
Identifiers: ClinVar variation 1467049 (VCV001467049.8), dbSNP rs2134085082, ClinGen allele CA381538121.

ClinVar aggregate classification (germline): Uncertain significance (1 of 4 stars; one submission).

Submission:

Labcorp Genetics (formerly Invitae), Labcorp
Classification: Uncertain significance. Last evaluated: 2022-08-22. Review status: criteria provided, single submitter. Criteria: Invitae Variant Classification Sherloc (09022015). Collection method: clinical testing. Allele origin: germline.
Comment: ClinVar contains an entry for this variant (Variation ID: 1467049). This variant has not been reported in the literature in individuals affected with NDUFV1-related conditions. This variant is not present in population databases (gnomAD no frequency). This sequence change replaces valine, which is neutral and non-polar, with leucine, which is neutral and non-polar, at codon 250 of the NDUFV1 protein (p.Val250Leu). Advanced modeling of protein sequence and biophysical properties (such as structural, functional, and spatial information, amino acid conservation, physicochemical variation, residue mobility, and thermodynamic stability) performed at Invitae indicates that this missense variant is expected to disrupt NDUFV1 protein function. In summary, the available evidence is currently insufficient to determine the role of this variant in disease. Therefore, it has been classified as a Variant of Uncertain Significance.